The following is an entry in ClinVar:

ClinVar aggregate classification (germline): Uncertain significance (1 of 4 stars; one submission).

Conditions:
Familial hemiplegic migraine. Identifiers: MedGen C0338484, MONDO:0000700.

Allele frequency attached by ClinVar (database versions not stated): gnomAD exomes below 0.00001.
gnomAD v4.1: 1 of 1,614,146 alleles (0.000062%); highest among the groups gnomAD compares: East Asian, 0.0022%; no homozygotes.

Submission:

Labcorp Genetics (formerly Invitae), Labcorp
Classification: Uncertain significance for Familial hemiplegic migraine. Last evaluated: 2021-11-19. Review status: criteria provided, single submitter. Criteria: Invitae Variant Classification Sherloc (09022015). Collection method: clinical testing. Allele origin: germline.
Comment: In summary, the available evidence is currently insufficient to determine the role of this variant in disease. Therefore, it has been classified as a Variant of Uncertain Significance. Advanced modeling of protein sequence and biophysical properties (such as structural, functional, and spatial information, amino acid conservation, physicochemical variation, residue mobility, and thermodynamic stability) performed at Invitae indicates that this missense variant is not expected to disrupt ATP1A2 protein function. This variant has not been reported in the literature in individuals affected with ATP1A2-related conditions. This variant is not present in population databases (gnomAD no frequency). This sequence change replaces alanine, which is neutral and non-polar, with threonine, which is neutral and polar, at codon 117 of the ATP1A2 protein (p.Ala117Thr).

NM_000702.4(ATP1A2):c.349G>A (p.Ala117Thr)

Gene: ATP1A2 (ATPase Na+/K+ transporting subunit alpha 2; plus strand). Cytogenetic location: 1q23.2.
Variant type: single nucleotide variant.
Coding change: c.349G>A on transcript NM_000702.4 (MANE Select); coding-DNA position 349, G replaced by A.
Protein change: p.Ala117Thr; replaces alanine 117 with threonine.
Molecular consequence: missense variant.
Genome position (GRCh38, 1-based): chr1:160,123,384, G>A. VCF-style: chr1-160123384-G-A. GRCh37 (hg19) VCF-style: chr1-160093174-G-A.
Other names: short protein forms A117T.
Identifiers: ClinVar variation 1394154 (VCV001394154.6), dbSNP rs1651481117, ClinGen allele CA343231784.